The following is an entry in ClinVar:

ClinVar aggregate classification (germline): Uncertain significance. Review status: criteria provided, multiple submitters, no conflicts (2 of 4 stars). 3 submissions from 3 submitters: Uncertain significance (3). Last evaluated 2026-02-03.

Conditions:
Type 2 diabetes mellitus. Also called: Type II diabetes mellitus. Identifiers: MedGen C0011860, MeSH D003924, MONDO:0005148, OMIM 125853, HP:0005978.
Hypoinsulinemic hypoglycemia and body hemihypertrophy. Also called: Hypoinsulinemic hypoglycemia and hemihypertrophy. Identifiers: Orphanet 293964, MedGen C3278384, MONDO:0009416, OMIM 240900.

Allele frequency attached by ClinVar (database versions not stated): gnomAD exomes 0.00002 and 0.00006; ExAC 0.00003; gnomAD 0.00010 and 0.00011; TOPMed 0.00010; ESP Exome Variant Server 0.00038.
gnomAD v4.1: 46 of 1,613,782 alleles (0.0029%); highest among the groups gnomAD compares: African/African-American, 0.027%; no homozygotes.

Submissions (3):

Women's Health and Genetics/Laboratory Corporation of America, LabCorp
Classification: Uncertain significance. Last evaluated: 2026-02-03. Review status: criteria provided, single submitter. Criteria: LabCorp Variant Classification Summary - May 2015. Collection method: clinical testing. Allele origin: germline.
Comment: Variant summary: AKT2 c.1115C>T (p.Thr372Met) results in a non-conservative amino acid change in the encoded protein sequence. Algorithms developed to predict the effect of missense changes on protein structure and function are either unavailable or do not agree on the potential impact of this missense change. The variant allele was found at a frequency of 5.6e-05 in 250860 control chromosomes. This frequency is not significantly higher than estimated for disease-causing variants in AKT2, allowing no conclusion about variant significance. To our knowledge, no occurrence of c.1115C>T in individuals affected with AKT2-related conditions and no experimental evidence demonstrating its impact on protein function have been reported. ClinVar contains an entry for this variant (Variation ID: 1401918). Based on the evidence outlined above, the variant was classified as uncertain significance.

Labcorp Genetics (formerly Invitae), Labcorp
Classification: Uncertain significance for Hypoinsulinemic hypoglycemia and body hemihypertrophy; Type 2 diabetes mellitus. Last evaluated: 2021-07-14. Review status: criteria provided, single submitter. Criteria: Invitae Variant Classification Sherloc (09022015). Collection method: clinical testing. Allele origin: germline.
Comment: This sequence change replaces threonine with methionine at codon 372 of the AKT2 protein (p.Thr372Met). The threonine residue is highly conserved and there is a moderate physicochemical difference between threonine and methionine. This variant is present in population databases (rs139506765, ExAC 0.02%). This variant has not been reported in the literature in individuals affected with AKT2-related conditions. Algorithms developed to predict the effect of missense changes on protein structure and function are either unavailable or do not agree on the potential impact of this missense change (SIFT: "Deleterious"; PolyPhen-2: "Possibly Damaging"; Align-GVGD: "Class C15"). In summary, the available evidence is currently insufficient to determine the role of this variant in disease. Therefore, it has been classified as a Variant of Uncertain Significance.

Revvity Omics, Revvity
Classification: Uncertain significance. Last evaluated: 2021-03-31. Review status: criteria provided, single submitter. Criteria: ACMG Guidelines, 2015. Collection method: clinical testing. Allele origin: germline.

NM_001626.6(AKT2):c.1115C>T (p.Thr372Met)

Gene: AKT2 (AKT serine/threonine kinase 2; minus strand). Cytogenetic location: 19q13.2.
Variant type: single nucleotide variant.
Coding change: c.1115C>T on transcript NM_001626.6 (MANE Select); coding-DNA position 1115, C replaced by T.
Protein change: p.Thr372Met; replaces threonine 372 with methionine.
Molecular consequence: missense variant.
Genome position (GRCh38, 1-based): chr19:40,235,950, G>A on the plus strand (C>T on the coding strand, the complement: AKT2 is on the minus strand). VCF-style: chr19-40235950-G-A. GRCh37 (hg19) VCF-style: chr19-40741857-G-A.
Other names: c.929C>T, p.Thr310Met (NM_001243027.3, NM_001243028.3); c.986C>T, p.Thr329Met (NM_001330511.1); c.1115C>T (NM_001626.4); short protein forms T329M, T310M, T372M.
Identifiers: ClinVar variation 1401918 (VCV001401918.12), dbSNP rs139506765, ClinGen allele CA9441581.